The following is an entry in ClinVar:

ClinVar aggregate classification (germline): Uncertain significance (1 of 4 stars; one submission).

Allele frequency attached by ClinVar (database versions not stated): gnomAD exomes below 0.00001; gnomAD 0.00001.
gnomAD v4.1: 2 of 1,613,994 alleles (0.00012%); highest among the groups gnomAD compares: Non-Finnish European, 0.00017%; no homozygotes.

Submission:

Labcorp Genetics (formerly Invitae), Labcorp
Classification: Uncertain significance. Last evaluated: 2025-10-26. Review status: criteria provided, single submitter. Criteria: Invitae Variant Classification Sherloc (09022015). Collection method: clinical testing. Allele origin: germline.
Comment: This sequence change replaces proline, which is neutral and non-polar, with glutamine, which is neutral and polar, at codon 570 of the SULF1 protein (p.Pro570Gln). This variant is not present in population databases (gnomAD no frequency). This variant has not been reported in the literature in individuals affected with SULF1-related conditions. ClinVar contains an entry for this variant (Variation ID: 1508405). An algorithm developed to predict the effect of missense changes on protein structure and function (PolyPhen-2) suggests that this variant is likely to be tolerated. In summary, the available evidence is currently insufficient to determine the role of this variant in disease. Therefore, it has been classified as a Variant of Uncertain Significance.

NM_001128205.2(SULF1):c.1709C>A (p.Pro570Gln)

Gene: SULF1 (sulfatase 1; plus strand). Cytogenetic location: 8q13.3.
Variant type: single nucleotide variant.
Coding change: c.1709C>A on transcript NM_001128205.2 (MANE Select); coding-DNA position 1709, C replaced by A.
Protein change: p.Pro570Gln; replaces proline 570 with glutamine.
Molecular consequence: missense variant. On other transcripts: non-coding transcript variant (3).
Genome position (GRCh38, 1-based): chr8:69,624,056, C>A. VCF-style: chr8-69624056-C-A. GRCh37 (hg19) VCF-style: chr8-70536291-C-A.
Other names: c.1709C>A, p.Pro570Gln (NM_001128204.2, NM_001128206.2, NM_015170.3); short protein forms P570Q.
Identifiers: ClinVar variation 1508405 (VCV001508405.6), dbSNP rs1809811634, ClinGen allele CA371229754.